The following is an entry in ClinVar:

NM_003865.3(HESX1):c.398_403delinsTTGGTT (p.Pro133_Ile135delinsLeuGlyPhe)

Gene: HESX1 (HESX homeobox 1; minus strand). Cytogenetic location: 3p14.3.
Variant type: Indel.
Coding change: c.398_403delinsTTGGTT on transcript NM_003865.3 (MANE Select); coding-DNA positions 398 to 403, CTGGTA replaced by TTGGTT.
Protein change: p.Pro133_Ile135delinsLeuGlyPhe.
Molecular consequence: missense variant. On other transcripts: non-coding transcript variant (1).
Genome position (GRCh38, 1-based): chr3:57,198,447-57,198,452, TACCAG replaced by AACCAA on the plus strand (CTGGTA replaced by TTGGTT on the coding strand, the reverse complement: HESX1 is on the minus strand). VCF-style: chr3-57198447-TACCAG-AACCAA. GRCh37 (hg19) VCF-style: chr3-57232475-TACCAG-AACCAA.
Other names: c.398_403delinsTTGGTT, p.Pro133_Ile135delinsLeuGlyPhe (NM_001376058.1, NM_001376059.1, NM_001376060.1 and 1 more transcripts).
Identifiers: ClinVar variation 1314272 (VCV001314272.2), dbSNP rs2107564007, ClinGen allele CA2573052230.

ClinVar aggregate classification (germline): Uncertain significance (1 of 4 stars; one submission).

Submission:

GeneDx
Classification: Uncertain significance. Last evaluated: 2021-03-23. Review status: criteria provided, single submitter. Criteria: GeneDx Variant Classification Process June 2021. Collection method: clinical testing. Allele origin: germline. Affected: yes.
Comment: Not observed in large population cohorts (Lek et al., 2016); In silico analysis supports a deleterious effect on protein structure/function; Has not been previously published as pathogenic or benign to our knowledge